The following is an entry in ClinVar:

ClinVar aggregate classification (germline): Pathogenic. Review status: criteria provided, multiple submitters, no conflicts (2 of 4 stars). 2 submissions from 2 submitters: Pathogenic (2). Last evaluated 2025-01-15.

Conditions:
Familial cancer of breast. Also called: BREAST CANCER, FAMILIAL; Hereditary breast cancer; hereditary breast carcinoma. Identifiers: Orphanet 227535, MedGen C0346153, MONDO:0016419, OMIM 114480. Disease mechanism: loss of function.
Hereditary cancer-predisposing syndrome. Also called: Neoplastic Syndromes, Hereditary; Tumor predisposition; Hereditary neoplastic syndrome; Hereditary Cancer Syndrome. Identifiers: Orphanet 140162, MedGen C0027672, MeSH D009386, MONDO:0015356.

Submissions (2):

Ambry Genetics
Classification: Pathogenic for Hereditary cancer-predisposing syndrome. Last evaluated: 2025-01-15. Review status: criteria provided, single submitter. Criteria: Ambry Variant Classification Scheme 2023. Collection method: clinical testing. Allele origin: germline.
Comment: The c.1988delT pathogenic mutation, located in coding exon 12 of the ATM gene, results from a deletion of one nucleotide at nucleotide position 1988, causing a translational frameshift with a predicted alternate stop codon (p.L663*). This alteration is expected to result in loss of function by premature protein truncation or nonsense-mediated mRNA decay. As such, this alteration is interpreted as a disease-causing mutation.

Myriad Genetics, Inc.
Classification: Pathogenic for Familial cancer of breast. Last evaluated: 2024-01-17. Review status: criteria provided, single submitter. Criteria: Myriad Autosomal Dominant, Autosomal Recessive and X-Linked Classification Criteria (2023). Collection method: clinical testing. Allele origin: unknown.
Comment: This variant is considered pathogenic. This variant creates a termination codon and is predicted to result in premature protein truncation.

NM_000051.4(ATM):c.1988del (p.Phe662_Leu663insTer)

Gene: ATM (ATM serine/threonine kinase; plus strand). Cytogenetic location: 11q22.3.
Variant type: Deletion.
Coding change: c.1988del on transcript NM_000051.4 (MANE Select); coding-DNA position 1988, one base deleted (T; older notation c.1988delT).
Protein change: p.Phe662_Leu663insTer.
Molecular consequence: nonsense.
Genome position (GRCh38, 1-based): chr11:108,253,903, T deleted; the last of 5 consecutive T bases (chr11:108,253,899-108,253,903); deleting any one gives the same sequence. VCF-style (leftmost placement, unchanged base first): chr11-108253898-CT-C. GRCh37 (hg19) VCF-style: chr11-108124625-CT-C.
Other names: c.1988del, p.Phe662_Leu663insTer (NM_001351834.2).
Identifiers: ClinVar variation 3148796 (VCV003148796.2), dbSNP rs2135368347, ClinGen allele CA2725135805.